The following is an entry in ClinVar:

ClinVar aggregate classification (germline): Uncertain significance. Review status: criteria provided, multiple submitters, no conflicts (2 of 4 stars). 2 submissions from 2 submitters: Uncertain significance (2). Last evaluated 2024-07-22.

Conditions:
Synpolydactyly type 2. Also called: SYNPOLYDACTYLY, 3/3-PRIME/4, ASSOCIATED WITH METACARPAL AND METATARSAL SYNOSTOSES. Identifiers: Orphanet 295197, Orphanet 93403, MedGen C1842422, MONDO:0011984, OMIM 608180.

Allele frequency attached by ClinVar (database versions not stated): TOPMed 0.00002.
gnomAD v4.1: 3 of 1,247,254 alleles (0.00024%); highest among the groups gnomAD compares: African/African-American, 0.0031%; no homozygotes.

Submissions (2):

Ambry Genetics
Classification: Uncertain significance. Last evaluated: 2024-07-22. Review status: criteria provided, single submitter. Criteria: Ambry Variant Classification Scheme 2023. Collection method: clinical testing. Allele origin: germline.

Baylor Genetics
Classification: Uncertain significance for Synpolydactyly type 2. Last evaluated: 2020-06-03. Review status: criteria provided, single submitter. Criteria: ACMG Guidelines, 2015. Collection method: clinical testing. Allele origin: unknown. Affected: yes.
Comment: This variant was determined to be of uncertain significance according to ACMG Guidelines, 2015 [PMID:25741868].

NM_006486.3(FBLN1):c.32C>A (p.Pro11Gln)

Gene: FBLN1 (fibulin 1; plus strand). Cytogenetic location: 22q13.31.
Variant type: single nucleotide variant.
Coding change: c.32C>A on transcript NM_006486.3 (MANE Select); coding-DNA position 32, C replaced by A.
Protein change: p.Pro11Gln; replaces proline 11 with glutamine.
Molecular consequence: missense variant.
Genome position (GRCh38, 1-based): chr22:45,503,017, C>A. VCF-style: chr22-45503017-C-A. GRCh37 (hg19) VCF-style: chr22-45898897-C-A.
Other names: c.32C>A, p.Pro11Gln (NM_001996.4, NM_006485.4, NM_006487.3); short protein forms P11Q.
Identifiers: ClinVar variation 1031049 (VCV001031049.2), dbSNP rs1017133697, ClinGen allele CA411892983.
Genomic context (GRCh38, chr22:45,503,017, plus strand): 5'-CGCCGCCCACCGCCCGTCGCCCGCCGCCCATGGAGCGCGCCGCGCCGTCGCGCCGGGTCC[C>A]GCTTCCGCTGCTGCTGCTCGGCGGCCTTGCGCTGCTGGCGGCCGGAGGTAGGGGCGTCCC-3'
Protein context (NP_006477.3, residues 1-21): MERAAPSRRV[Pro11Gln]LPLLLLGGLA